The following is an entry in ClinVar:

NM_007272.3(CTRC):c.226A>C (p.Ile76Leu)

Gene: CTRC (chymotrypsin C; plus strand). Cytogenetic location: 1p36.21.
Variant type: single nucleotide variant.
Coding change: c.226A>C on transcript NM_007272.3 (MANE Select); coding-DNA position 226, A replaced by C.
Protein change: p.Ile76Leu; replaces isoleucine 76 with leucine.
Molecular consequence: missense variant.
Genome position (GRCh38, 1-based): chr1:15,440,586, A>C. VCF-style: chr1-15440586-A-C. GRCh37 (hg19) VCF-style: chr1-15767082-A-C.
Other names: short protein forms I76L.
Identifiers: ClinVar variation 2564429 (VCV002564429.2), dbSNP rs910219514, ClinGen allele CA338565139.

ClinVar aggregate classification (germline): Uncertain significance (1 of 4 stars; one submission).

Conditions:
Hereditary pancreatitis (PCTT). Also called: Hereditary chronic pancreatitis; PRSS1-Related Hereditary Pancreatitis. Identifiers: Orphanet 676, MedGen C0238339, MONDO:0008185, OMIM 167800.

Submission:

Ambry Genetics
Classification: Uncertain significance for Hereditary pancreatitis. Last evaluated: 2023-04-24. Review status: criteria provided, single submitter. Criteria: Ambry Variant Classification Scheme 2023. Collection method: clinical testing. Allele origin: germline.
Comment: The p.I76L variant (also known as c.226A>C), located in coding exon 3 of the CTRC gene, results from an A to C substitution at nucleotide position 226. The isoleucine at codon 76 is replaced by leucine, an amino acid with highly similar properties. This amino acid position is conserved. In addition, the in silico prediction for this alteration is inconclusive. Since supporting evidence is limited at this time, the clinical significance of this alteration remains unclear.